The following is an entry in ClinVar:

NM_002221.4(ITPKB):c.518G>A (p.Arg173His)

Gene: ITPKB (inositol-trisphosphate 3-kinase B; minus strand). Cytogenetic location: 1q42.12.
Variant type: single nucleotide variant.
Coding change: c.518G>A on transcript NM_002221.4 (MANE Select); coding-DNA position 518, G replaced by A.
Protein change: p.Arg173His; replaces arginine 173 with histidine.
Molecular consequence: missense variant.
Genome position (GRCh38, 1-based): chr1:226,736,941, C>T on the plus strand (G>A on the coding strand, the complement: ITPKB is on the minus strand). VCF-style: chr1-226736941-C-T. GRCh37 (hg19) VCF-style: chr1-226924642-C-T.
Other names: c.518G>A, p.Arg173His (NM_001388404.1); short protein forms R173H.
Identifiers: ClinVar variation 1705898 (VCV001705898.5), dbSNP rs3754415, ClinGen allele CA1424162.
Genomic context (GRCh38, chr1:226,736,941, plus strand): 5'-TGAACCAGGACCCTTCCAGGGGGCTGACTGCTGCTGCGGAAGGGGCACGGGGAGGGCGAG[C>T]GAGCCCTGCCCAAACGCGGGCTGCGGGGCGCTTGAATGGCGGAGCTCTGTGCCTGGATGT-3'
Protein context (NP_002212.3, residues 163-183): APRSPRLGRA[Arg173His]SPSPCPFRSS

ClinVar aggregate classification (germline): Conflicting classifications of pathogenicity. Review status: criteria provided, conflicting classifications (1 of 4 stars). 3 submissions from 3 submitters: Uncertain significance (1); Benign (1); Likely benign (1). Last evaluated 2026-01-21.

Conditions:
Myeloproliferative neoplasm, unclassifiable. Identifiers: Orphanet 86830, MedGen C1333046, MONDO:0019452.

Allele frequency attached by ClinVar (database versions not stated): ESP Exome Variant Server 0.17995; gnomAD 0.18671; TOPMed 0.19753; ExAC 0.20732; 1000 Genomes Project 30x 0.22345; 1000 Genomes Project 0.22704.
gnomAD v4.1: 302,785 of 1,610,942 alleles (19%); highest among the groups gnomAD compares: East Asian, 33%; 29,863 homozygotes.

Submissions (3):

Women's Health and Genetics/Laboratory Corporation of America, LabCorp
Classification: Likely benign. Last evaluated: 2026-01-21. Review status: criteria provided, single submitter. Criteria: LabCorp Variant Classification Summary - May 2015. Collection method: clinical testing. Allele origin: germline.

Unidad de Genómica Garrahan, Hospital de Pediatría Garrahan
Classification: Benign. Last evaluated: 2024-01-24. Review status: criteria provided, single submitter. Criteria: ACMG Guidelines, 2015. Collection method: clinical testing. Allele origin: germline. Affected: no. Observed: 33 variant alleles.
Comment: This variant is classified as Benign based on local population frequency. This variant was detected in 35% of patients studied by a panel of primary immunodeficiencies. Number of patients: 33. Only high quality variants are reported.

Dept. of Cytogenetics, ICMR- National Institute of Immunohaematology
Classification: Uncertain significance for Myeloproliferative neoplasm, unclassifiable. Last evaluated: 2022-08-25. Review status: criteria provided, single submitter. Criteria: Oncogenicity SOP (ClinGen, CGC, VICC guidelines) 2022. Collection method: clinical testing. Allele origin: somatic. Affected: yes. Observed: 5 variant alleles.